The following is an entry in ClinVar:

NM_014365.3(HSPB8):c.48G>A (p.Leu16=)

Gene: HSPB8 (heat shock protein family B (small) member 8; plus strand). Cytogenetic location: 12q24.23.
Variant type: single nucleotide variant.
Coding change: c.48G>A on transcript NM_014365.3 (MANE Select); coding-DNA position 48, G replaced by A.
Protein change: p.Leu16=; no amino-acid change (leucine 16 retained).
Molecular consequence: synonymous variant.
Genome position (GRCh38, 1-based): chr12:119,179,360, G>A. VCF-style: chr12-119179360-G-A. GRCh37 (hg19) VCF-style: chr12-119617165-G-A.
Identifiers: ClinVar variation 307416 (VCV000307416.7), dbSNP rs755586270, ClinGen allele CA6819485.
Genomic context (GRCh38, chr12:119,179,360, plus strand): 5'-CTGAGCAGCCACCATGGCTGACGGTCAGATGCCCTTCTCCTGCCACTACCCAAGCCGCCT[G>A]CGCCGAGACCCCTTCCGGGACTCTCCCCTCTCCTCTCGCCTGCTGGATGATGGCTTTGGC-3'
Protein context (NP_055180.1, residues 6-26): MPFSCHYPSR[Leu16=]RRDPFRDSPL

ClinVar aggregate classification (germline): Benign/Likely benign. Review status: criteria provided, multiple submitters, no conflicts (2 of 4 stars). 3 submissions from 2 submitters: Benign (1); Likely benign (2). Last evaluated 2019-07-11.

Conditions:
Charcot-Marie-Tooth disease axonal type 2L. Also called: Charcot-Marie-Tooth Neuropathy Type 2L; CHARCOT-MARIE-TOOTH DISEASE, AXONAL, AUTOSOMAL DOMINANT, TYPE 2L; CHARCOT-MARIE-TOOTH NEUROPATHY, AXONAL, TYPE 2L. Identifiers: Orphanet 99945, MedGen C1837552, MONDO:0012096, OMIM 608673.
Inborn genetic diseases. Identifiers: MedGen C0950123, MeSH D030342.
Neuronopathy, distal hereditary motor, type 2A. Also called: CHARCOT-MARIE-TOOTH DISEASE, SPINAL, IIA; NEURONOPATHY, DISTAL HEREDITARY MOTOR, AUTOSOMAL DOMINANT 2; NEURONOPATHY, DISTAL HEREDITARY MOTOR, HARDING TYPE IIA; NEUROPATHY, DISTAL HEREDITARY MOTOR, HARDING TYPE IIA; SPINAL MUSCULAR ATROPHY, DISTAL, ADULT, AUTOSOMAL DOMINANT, HARDING TYPE IIA; HMN IIA. Identifiers: Orphanet 139525, MedGen C1834692, MONDO:0008025, OMIM 158590.

Allele frequency attached by ClinVar (database versions not stated): gnomAD exomes below 0.00001 and 0.00002; TOPMed 0.00001; ExAC 0.00002.

Submissions (3):

Ambry Genetics
Classification: Likely benign for Inborn genetic diseases. Last evaluated: 2019-07-11. Review status: criteria provided, single submitter. Criteria: Ambry Variant Classification Scheme 2023. Collection method: clinical testing. Allele origin: germline.

Illumina Laboratory Services, Illumina
Classification: Benign for Neuronopathy, distal hereditary motor, type 2A. Last evaluated: 2018-01-12. Review status: criteria provided, single submitter. Criteria: ICSL Variant Classification Criteria 13 December 2019. Collection method: clinical testing. Allele origin: germline.
Comment: This variant was observed in the ICSL laboratory as part of a predisposition screen in an ostensibly healthy population. It had not been previously curated by ICSL or reported in the Human Gene Mutation Database (HGMD: prior to June 1st, 2018), and was therefore a candidate for classification through an automated scoring system. Utilizing variant allele frequency, disease prevalence and penetrance estimates, and inheritance mode, an automated score was calculated to assess if this variant is too frequent to cause the disease. Based on the score and internal cut-off values, a variant classified as benign is not then subjected to further curation. The score for this variant resulted in a classification of benign for this disease.

Illumina Laboratory Services, Illumina
Classification: Likely benign for Charcot-Marie-Tooth disease axonal type 2L. Last evaluated: 2018-01-12. Review status: criteria provided, single submitter. Criteria: ICSL Variant Classification Criteria 13 December 2019. Collection method: clinical testing. Allele origin: germline.
Comment: This variant was observed in the ICSL laboratory as part of a predisposition screen in an ostensibly healthy population. It had not been previously curated by ICSL or reported in the Human Gene Mutation Database (HGMD: prior to June 1st, 2018), and was therefore a candidate for classification through an automated scoring system. Utilizing variant allele frequency, disease prevalence and penetrance estimates, and inheritance mode, an automated score was calculated to assess if this variant is too frequent to cause the disease. Based on the score and internal cut-off values, a variant classified as likely benign is not then subjected to further curation. The score for this variant resulted in a classification of likely benign for this disease.